The following is an entry in ClinVar:

ClinVar aggregate classification (germline): Conflicting classifications of pathogenicity. Review status: criteria provided, conflicting classifications (1 of 4 stars). 6 submissions from 6 submitters: Likely pathogenic (4); Uncertain significance (1). 1 of the submissions does not count toward it. Last evaluated 2026-09-23.

Conditions:
Neurodevelopmental disorder, mitochondrial, with abnormal movements and lactic acidosis, with or without seizures. Identifiers: Orphanet 572798, MedGen C4540192, MONDO:0060578, OMIM 617710.
WARS2-related disorder. Also called: WARS2 related condition; WARS2-related disorders.

Allele frequency attached by ClinVar (database versions not stated): gnomAD exomes 0.00005 and 0.00001; TOPMed 0.00001; ExAC 0.00002.
gnomAD v4.1: 71 of 1,614,198 alleles (0.0044%); highest among the groups gnomAD compares: Non-Finnish European, 0.0059%; no homozygotes.

Submissions (6):

GeneDx
Classification: Likely pathogenic. Last evaluated: 2026-09-23. Review status: criteria provided, single submitter. Criteria: GeneDx Variant Classification Process June 2021. Collection method: clinical testing. Allele origin: germline.
Comment: Observed with a second variant in WARS2 in a patient with intellectual disability, optic atrophy, poor sweating, and liver failure (PMID: 28554332); Not observed at significant frequency in large population cohorts (gnomAD); Nonsense variant predicted to result in protein truncation, as the last 122 amino acid(s) are lost, and other loss-of-function variants have been reported downstream in HGMD; This variant is associated with the following publications: (PMID: 28554332)

Variantyx, Inc.
Classification: Likely pathogenic for Neurodevelopmental disorder, mitochondrial, with abnormal movements and lactic acidosis, with or without seizures. Last evaluated: 2025-03-14. Review status: criteria provided, single submitter. Criteria: Variantyx Assertion Criteria 2022. Collection method: clinical testing. Allele origin: maternal.
Comment: This is a nonsense variant in the WARS2 gene (OMIM: 604733). Pathogenic variants in this gene have been associated with autosomal recessive mitochondrial neurodevelopmental disorder, with abnormal movements and lactic acidosis, with or without seizures. This variant introduces a premature termination codon in exon 6 out of 6. It is expected to result in loss of function, which is a known disease mechanism for WARS2 in this disorder (PMID: 28554332) (PVS1). This variant has a 0.0063% maximum allele frequency in non-founder control populations (PM2_Supporting). This variant has been reported in at least 1 affected individual(s) who carried a second variant in this gene; however, the phase of these variants could not be determined (PMID: 28554332). Based on the current evidence, this variant is classified as likely pathogenic for autosomal recessive mitochondrial neurodevelopmental disorder, with abnormal movements and lactic acidosis, with or without seizures.

Blueprint Genetics
Classification: Uncertain significance. Last evaluated: 2022-09-30. Review status: criteria provided, single submitter. Criteria: ACMG Guidelines, 2015. Collection method: clinical testing. Allele origin: germline.

HudsonAlpha Institute for Biotechnology
Classification: Likely pathogenic. Last evaluated: 2015-12-10. Review status: criteria provided, single submitter. Criteria: HA_assertions_20161101. Collection method: research. Allele origin: maternal. Affected: yes. Observed: 1 variant allele. Study: CSER-HudsonAlpha.

ARUP Laboratories, Molecular Genetics and Genomics, ARUP Laboratories
Classification: Likely pathogenic. Review status: criteria provided, single submitter. Criteria: ARUP Molecular Germline Variant Investigation Process 2024. Collection method: clinical testing. Allele origin: germline.
Comment: The WARS2 c.715C>T; p.Arg239Ter variant (rs757600616, ClinVar Variation ID: 224152) was detected by massively parallel sequencing. This variant is reported in one individual affected with moderate intellectual disability, optic atrophy, neonatal liver failure, fatigue, poor sweating, and lower thoracic syrinx, who carried a second missense variant on the opposite chromosome (Bowling 2017). This variant results in a premature termination codon in the last exon of the WARS2 gene. While this may not lead to nonsense-mediated decay, it is expected to create a truncated protein that deletes >10% of the protein and at least one other downstream truncation has been identified in affected patients (Wortman 2017). Based on the available information, this variant is considered likely pathogenic. References: Bowling et al. Genomic diagnosis for children with intellectual disability and/or developmental delay. Genome Med. 2017 May 30;9(1):43. PMID: 28554332. Wortman et al. Biallelic variants in WARS2 encoding mitochondrial tryptophanyl-tRNA synthase in six individuals with mitochondrial encephalopathy. Hum Mutat. 2017 Dec;38(12):1786-1795. PMID: 28905505.

PreventionGenetics, part of Exact Sciences
Classification: Likely pathogenic for WARS2-related condition. Last evaluated: 2024-05-22. Review status: no assertion criteria provided. Collection method: clinical testing. Allele origin: germline. Not counted in ClinVar's aggregate classification.
Comment: The WARS2 c.715C>T variant is predicted to result in premature protein termination (p.Arg239*). This variant was reported in compound heterozygosity with a second WARS2 variant in an individual with moderate intellectual disability, optic atrophy, fatigue and profound episode of liver failure (Table S1, Bowling et al. 2017. PubMed ID: 28554332). This variant is reported in 0.0027% of alleles in individuals of European (Non-Finnish) descent in gnomAD. This variant is located within the last exon and may not result in nonsense mediated decay, however downstream loss-of-function variant has been reported as causative (Wortmann et al. 2017. PubMed ID: 28905505). This variant is interpreted as likely pathogenic.

NM_015836.4(WARS2):c.715C>T (p.Arg239Ter)

Gene: WARS2 (tryptophanyl tRNA synthetase 2, mitochondrial; minus strand). Cytogenetic location: 1p12.
Variant type: single nucleotide variant.
Coding change: c.715C>T on transcript NM_015836.4 (MANE Select); coding-DNA position 715, C replaced by T.
Protein change: p.Arg239Ter; replaces arginine 239 with a stop codon.
Molecular consequence: nonsense. On other transcripts: 3 prime UTR variant (2).
Genome position (GRCh38, 1-based): chr1:119,033,279, G>A on the plus strand (C>T on the coding strand, the complement: WARS2 is on the minus strand). VCF-style: chr1-119033279-G-A. GRCh37 (hg19) VCF-style: chr1-119575902-G-A.
Other names: c.544C>T, p.Arg182Ter (NM_001378228.1); c.457C>T, p.Arg153Ter (NM_001378229.1); c.433C>T, p.Arg145Ter (NM_001378230.1); c.*50C>T (NM_001378231.1); c.*81C>T (NM_201263.2); c.715C>T (NM_015836.3); c.646C>T, p.Arg216Ter (NM_001378226.1, NM_001378227.1); short protein forms R239*, R145*, R153*, R182*, R216*.
Identifiers: ClinVar variation 224152 (VCV000224152.15), dbSNP rs757600616, ClinGen allele CA354947.